The following is an entry in ClinVar:

ClinVar aggregate classification (germline): Uncertain significance. Review status: criteria provided, single submitter (1 of 4 stars). 2 submissions from 2 submitters: Uncertain significance (1). 1 of the submissions does not count toward it. Last evaluated 2025-05-28.

Conditions:
Lysinuric protein intolerance (LPI). Identifiers: Orphanet 470, MedGen C0268647, MONDO:0009109, OMIM 222700.

gnomAD v4.1: 3 of 1,614,240 alleles (0.00019%); highest among the groups gnomAD compares: Non-Finnish European, 0.00025%; no homozygotes.

Submissions (2):

Labcorp Genetics (formerly Invitae), Labcorp
Classification: Uncertain significance for Lysinuric protein intolerance. Last evaluated: 2025-05-28. Review status: criteria provided, single submitter. Criteria: Invitae Variant Classification Sherloc (09022015). Collection method: clinical testing. Allele origin: germline.
Comment: This sequence change replaces cysteine, which is neutral and slightly polar, with arginine, which is basic and polar, at codon 425 of the SLC7A7 protein (p.Cys425Arg). This variant is not present in population databases (gnomAD no frequency). This missense change has been observed in individual(s) with lysinuric protein intolerance (PMID: 18716612). In at least one individual the data is consistent with being in trans (on the opposite chromosome) from a pathogenic variant. ClinVar contains an entry for this variant (Variation ID: 56354). An algorithm developed to predict the effect of missense changes on protein structure and function (PolyPhen-2) suggests that this variant is likely to be disruptive. In summary, the available evidence is currently insufficient to determine the role of this variant in disease. Therefore, it has been classified as a Variant of Uncertain Significance.

Juha Muilu Group; Institute for Molecular Medicine Finland (FIMM)
Classification: Likely pathogenic for Lysinuric protein intolerance. Review status: no assertion criteria provided. Collection method: not provided. Allele origin: unknown. Not counted in ClinVar's aggregate classification.
Comment: FinDis database variant: This variant was not found or characterized by our laboratory, data were collected from public sources: see reference
ClinVar note: Converted during submission from probable-pathogenic to Likely pathogenic.

Literature cited by the submitters: PubMed 18716612 (cited by Labcorp Genetics (formerly Invitae), Labcorp).

NM_003982.4(SLC7A7):c.1273T>C (p.Cys425Arg)

Gene: SLC7A7 (solute carrier family 7 member 7; minus strand). Cytogenetic location: 14q11.2.
Variant type: single nucleotide variant.
Coding change: c.1273T>C on transcript NM_003982.4 (MANE Select); coding-DNA position 1273, T replaced by C.
Protein change: p.Cys425Arg; replaces cysteine 425 with arginine.
Molecular consequence: missense variant.
Genome position (GRCh38, 1-based): chr14:22,774,089, A>G on the plus strand (T>C on the coding strand, the complement: SLC7A7 is on the minus strand). VCF-style: chr14-22774089-A-G. GRCh37 (hg19) VCF-style: chr14-23243298-A-G.
Other names: c.1273T>C, p.Cys425Arg (NM_001126105.3, NM_001126106.4); short protein forms C425R.
Identifiers: ClinVar variation 56354 (VCV000056354.6), dbSNP rs386833802, ClinGen allele CA263777.